The following is an entry in ClinVar:

ClinVar aggregate classification (germline): Pathogenic/Likely pathogenic. Review status: criteria provided, multiple submitters, no conflicts (2 of 4 stars). 2 submissions from 2 submitters: Pathogenic (1); Likely pathogenic (1). Last evaluated 2024-01-18.

Conditions:
Glycogen storage disease type III (GSD3). Also called: FORBES DISEASE; Cori disease. Identifiers: Orphanet 366, MedGen C0017922, MONDO:0009291, OMIM 232400.

Submissions (2):

Labcorp Genetics (formerly Invitae), Labcorp
Classification: Pathogenic for Glycogen storage disease type III. Last evaluated: 2024-01-18. Review status: criteria provided, single submitter. Criteria: Invitae Variant Classification Sherloc (09022015). Collection method: clinical testing. Allele origin: germline.
Comment: This sequence change creates a premature translational stop signal (p.Arg784Thrfs*20) in the AGL gene. It is expected to result in an absent or disrupted protein product. Loss-of-function variants in AGL are known to be pathogenic (PMID: 19299494). This variant is present in population databases (rs774652075, gnomAD 0.006%). This variant has not been reported in the literature in individuals affected with AGL-related conditions. For these reasons, this variant has been classified as Pathogenic.

Baylor Genetics
Classification: Likely pathogenic for Glycogen storage disease type III. Last evaluated: 2023-02-23. Review status: criteria provided, single submitter. Criteria: ACMG Guidelines, 2015. Collection method: clinical testing. Allele origin: unknown.

Literature cited by the submitters: PubMed 19299494 (cited by Labcorp Genetics (formerly Invitae), Labcorp).

NM_000642.3(AGL):c.2349_2352del (p.Arg784fs)

Gene: AGL (amylo-alpha-1,6-glucosidase and 4-alpha-glucanotransferase; plus strand). Cytogenetic location: 1p21.2.
Variant type: Microsatellite.
Coding change: c.2349_2352del on transcript NM_000642.3 (MANE Select); coding-DNA positions 2349 to 2352, 4 bases deleted (GAGA; older notation c.2349_2352delGAGA).
Protein change: p.Arg784fs; shifts the reading frame from arginine 784.
Molecular consequence: frameshift variant.
Genome position (GRCh38, 1-based): chr1:99,884,160-99,884,163, GAGA deleted; deleting any 4 consecutive bases within chr1:99,884,158-99,884,163 gives the same sequence; the c. name uses the placement nearest the transcript's 3' end. VCF-style (leftmost placement, unchanged base first): chr1-99884157-TGAGA-T. GRCh37 (hg19) VCF-style: chr1-100349713-TGAGA-T.
Other names: c.2349_2352del (NM_000642.2); c.2347_2348GA[1], p.Arg784Thrfs (NM_000028.3, NM_000643.3, NM_000644.3 and 2 more transcripts); c.2299_2300GA[1], p.Arg768Thrfs (NM_000646.3); c.2146_2147GA[1], p.Arg717Thrfs (NM_001425327.1); c.2143_2144GA[1], p.Arg716Thrfs (NM_001425328.1, NM_001425329.1); c.1969_1970GA[1], p.Arg658Thrfs (NM_001425332.1); short protein forms R768fs, R784fs.
Identifiers: ClinVar variation 2674719 (VCV002674719.4), dbSNP rs774652075, ClinGen allele CA966770.